The following is an entry in ClinVar:

NM_006031.6(PCNT):c.6188A>C (p.Lys2063Thr)

Gene: PCNT (pericentrin; plus strand). Cytogenetic location: 21q22.3.
Variant type: single nucleotide variant.
Coding change: c.6188A>C on transcript NM_006031.6 (MANE Select); coding-DNA position 6188, A replaced by C.
Protein change: p.Lys2063Thr; replaces lysine 2063 with threonine.
Molecular consequence: missense variant.
Genome position (GRCh38, 1-based): chr21:46,416,106, A>C. VCF-style: chr21-46416106-A-C. GRCh37 (hg19) VCF-style: chr21-47836020-A-C.
Other names: c.5834A>C, p.Lys1945Thr (NM_001315529.2); short protein forms K1945T, K2063T.
Identifiers: ClinVar variation 4697859 (VCV004697859.1).

ClinVar aggregate classification (germline): Uncertain significance (1 of 4 stars; one submission).

gnomAD v4.1: 18 of 1,614,060 alleles (0.0011%); highest among the groups gnomAD compares: South Asian, 0.02%; 1 homozygote.

Submission:

Labcorp Genetics (formerly Invitae), Labcorp
Classification: Uncertain significance. Last evaluated: 2025-03-07. Review status: criteria provided, single submitter. Criteria: Invitae Variant Classification Sherloc (09022015). Collection method: clinical testing. Allele origin: germline.
Comment: This sequence change replaces lysine, which is basic and polar, with threonine, which is neutral and polar, at codon 2063 of the PCNT protein (p.Lys2063Thr). This variant is present in population databases (rs755772184, gnomAD 0.02%). This variant has not been reported in the literature in individuals affected with PCNT-related conditions. An algorithm developed to predict the effect of missense changes on protein structure and function (PolyPhen-2) suggests that this variant is likely to be disruptive. In summary, the available evidence is currently insufficient to determine the role of this variant in disease. Therefore, it has been classified as a Variant of Uncertain Significance.